The following is an entry in ClinVar:

NM_000431.4(MVK):c.1097A>G (p.Asp366Gly)

Gene: MVK (mevalonate kinase; plus strand). Cytogenetic location: 12q24.11.
Variant type: single nucleotide variant.
Coding change: c.1097A>G on transcript NM_000431.4 (MANE Select); coding-DNA position 1097, A replaced by G.
Protein change: p.Asp366Gly; replaces aspartic acid 366 with glycine.
Molecular consequence: missense variant. On other transcripts: 3 prime UTR variant (2), non-coding transcript variant (4).
Genome position (GRCh38, 1-based): chr12:109,596,483, A>G. VCF-style: chr12-109596483-A-G. GRCh37 (hg19) VCF-style: chr12-110034288-A-G.
Other names: c.1172A>G, p.Asp391Gly (NM_001414512.1); c.*16A>G (NM_001414513.1, NM_001414514.1); c.515A>G, p.Asp172Gly (NM_001414515.1); c.1097A>G, p.Asp366Gly (NM_001114185.3, NM_001414511.1); c.941A>G, p.Asp314Gly (NM_001301182.2); short protein forms D172G, D314G, D366G, D391G.
Identifiers: ClinVar variation 4082099 (VCV004082099.1).

ClinVar aggregate classification (germline): Likely pathogenic (1 of 4 stars; one submission).

Conditions:
Hyperimmunoglobulin D with periodic fever (HIDS). Also called: Hyperimmunoglobulinemia D; Hyperimmunoglobulinemia D with periodic fever; HYPERIMMUNOGLOBULINEMIA D AND PERIODIC FEVER SYNDROME. Identifiers: Orphanet 343, MedGen C0398691, MONDO:0009849, OMIM 260920.

Submission:

Kasturba Medical College, Manipal, Kasturba Medical College, Manipal, Manipal Academy of Higher Education, Manipal, India
Classification: Likely pathogenic for Hyperimmunoglobulin D with periodic fever. Review status: criteria provided, single submitter. Criteria: ACMG Guidelines, 2015. Collection method: research. Allele origin: biparental. Inheritance: Autosomal recessive inheritance. Affected: yes. Observed: 1 homozygote.
Comment: This variant is absent in gnomAD population database and our in-house database of 2176 exomes. In-silico analysis tools, Mutation Taster, REVEL and ClinPred are consistent in predicting that the variant is disease causing and damaging to MVK protein function. The same variant is reported in a similarly affected individual (Govindaraj et al., 2020).

Literature cited by the submitters: PubMed 32822427.